The following is an entry in ClinVar:

ClinVar aggregate classification (germline): Pathogenic (1 of 4 stars; one submission).

Conditions:
Deficiency of alpha-mannosidase (MANSA). Also called: LYSOSOMAL ALPHA-D-MANNOSIDASE DEFICIENCY; Alpha-Mannosidosis; Mannosidosis, alpha-, types I and II. Identifiers: Orphanet 61, MedGen C0024748, MONDO:0009561, OMIM 248500.

Submission:

Myriad Genetics, Inc.
Classification: Pathogenic for Deficiency of alpha-mannosidase. Last evaluated: 2026-06-09. Review status: criteria provided, single submitter. Criteria: Myriad Autosomal Dominant, Autosomal Recessive and X-Linked Classification Criteria (2023). Collection method: clinical testing. Allele origin: unknown.
Comment: NM_000528.3(MAN2B1):c.1732delT(Y578Ifs*3) is expected to be pathogenic in the context of alpha-mannosidosis. This variant is predicted to lead to an abnormal or absent protein product due to the creation of a premature termination codon in MAN2B1, a gene where loss-of-function variants are known to be pathogenic. Please note: this variant was assessed in the context of healthy population screening.

NM_000528.4(MAN2B1):c.1732del (p.Tyr578fs)

Gene: MAN2B1 (mannosidase alpha class 2B member 1; minus strand). Cytogenetic location: 19p13.13.
Variant type: Deletion.
Coding change: c.1732del on transcript NM_000528.4 (MANE Select); coding-DNA position 1732, one base deleted (T; older notation c.1732delT).
Protein change: p.Tyr578fs; shifts the reading frame from tyrosine 578.
Molecular consequence: frameshift variant.
Genome position (GRCh38, 1-based): chr19:12,655,792, A deleted on the plus strand (T on the coding strand, the reverse complement: MAN2B1 is on the minus strand). VCF-style (leftmost placement, unchanged base first): chr19-12655791-TA-T. GRCh37 (hg19) VCF-style: chr19-12766605-TA-T.
Other names: c.1729del, p.Tyr577fs (NM_001173498.2); c.1735del, p.Tyr579fs (NM_001440570.1); short protein forms Y577fs, Y578fs, Y579fs.
Identifiers: ClinVar variation 5016016 (VCV005016016.1).